The following is an entry in ClinVar:

ClinVar aggregate classification (germline): Benign (1 of 4 stars; one submission).

Conditions:
Melanoma-pancreatic cancer syndrome. Identifiers: Orphanet 404560, MedGen C1838547, MONDO:0011713, OMIM 606719. Disease mechanism: loss of function.

Submission:

Myriad Genetics, Inc.
Classification: Benign for Melanoma-pancreatic cancer syndrome. Last evaluated: 2025-08-18. Review status: criteria provided, single submitter. Criteria: Myriad Autosomal Dominant, Autosomal Recessive and X-Linked Classification Criteria (2023). Collection method: clinical testing. Allele origin: unknown.
Comment: This variant is considered benign. This variant is intronic and is not expected to impact mRNA splicing.

NM_000077.5(CDKN2A):c.458-69G>A

Gene: CDKN2A (cyclin dependent kinase inhibitor 2A; minus strand). Cytogenetic location: 9p21.3.
Variant type: single nucleotide variant.
Coding change: c.458-69G>A on transcript NM_000077.5 (MANE Select); 69 bases into the intron before coding-DNA position 458, G replaced by A.
Molecular consequence: intron variant.
Genome position (GRCh38, 1-based): chr9:21,968,311, C>T on the plus strand (G>A on the coding strand, the complement: CDKN2A is on the minus strand). VCF-style: chr9-21968311-C-T. GRCh37 (hg19) VCF-style: chr9-21968310-C-T.
Other names: c.305-69G>A (NM_001363763.2); c.*102-69G>A (NM_058195.4); c.*151-69G>A (NM_001195132.2); c.*381-69G>A (NM_058197.5).
Identifiers: ClinVar variation 4294195 (VCV004294195.1).